The following is an entry in ClinVar:

ClinVar aggregate classification (germline): Uncertain significance. Review status: criteria provided, multiple submitters, no conflicts (2 of 4 stars). 3 submissions from 3 submitters: Uncertain significance (3). Last evaluated 2024-12-03.

Conditions:
Tumor predisposition syndrome 3 (TPDS3). Also called: Glioma susceptibility 9; LONG TELOMERE SYNDROME, POT1-RELATED; POT1 Tumor Predisposition; Melanoma, cutaneous malignant, susceptibility to, 10. Identifiers: Orphanet 618, MedGen C4014476, MONDO:0014368, OMIM 615848.
Hereditary cancer-predisposing syndrome. Also called: Neoplastic Syndromes, Hereditary; Hereditary Cancer Syndrome; Hereditary neoplastic syndrome; Tumor predisposition. Identifiers: Orphanet 140162, MedGen C0027672, MeSH D009386, MONDO:0015356.

gnomAD v4.1: 2 of 1,610,188 alleles (0.00012%); highest among the groups gnomAD compares: Non-Finnish European, 0.00017%; no homozygotes.

Submissions (3):

GeneDx
Classification: Uncertain significance. Last evaluated: 2024-12-03. Review status: criteria provided, single submitter. Criteria: GeneDx Variant Classification Process June 2021. Collection method: clinical testing. Allele origin: germline. Affected: yes.
Comment: Not observed at significant frequency in large population cohorts (gnomAD); In silico analysis supports that this missense variant has a deleterious effect on protein structure/function; Has not been previously published as pathogenic or benign to our knowledge; This variant is associated with the following publications: (PMID: 28393830)

Ambry Genetics
Classification: Uncertain significance for Hereditary cancer-predisposing syndrome. Last evaluated: 2024-09-08. Review status: criteria provided, single submitter. Criteria: Ambry Variant Classification Scheme 2023. Collection method: clinical testing. Allele origin: germline.
Comment: The p.R212W variant (also known as c.634C>T), located in coding exon 5 of the POT1 gene, results from a C to T substitution at nucleotide position 634. The arginine at codon 212 is replaced by tryptophan, an amino acid with dissimilar properties. This amino acid position is conserved. In addition, this alteration is predicted to be tolerated by in silico analysis. Since supporting evidence is limited at this time, the clinical significance of this alteration remains unclear.

Labcorp Genetics (formerly Invitae), Labcorp
Classification: Uncertain significance for Tumor predisposition syndrome 3. Last evaluated: 2022-02-18. Review status: criteria provided, single submitter. Criteria: Invitae Variant Classification Sherloc (09022015). Collection method: clinical testing. Allele origin: germline.
Comment: This variant has not been reported in the literature in individuals affected with POT1-related conditions. In summary, the available evidence is currently insufficient to determine the role of this variant in disease. Therefore, it has been classified as a Variant of Uncertain Significance. Algorithms developed to predict the effect of sequence changes on RNA splicing suggest that this variant may disrupt the consensus splice site. Algorithms developed to predict the effect of missense changes on protein structure and function are either unavailable or do not agree on the potential impact of this missense change (SIFT: "Deleterious"; PolyPhen-2: "Benign"; Align-GVGD: "Class C25"). ClinVar contains an entry for this variant (Variation ID: 1025939). This variant is not present in population databases (gnomAD no frequency). This sequence change replaces arginine, which is basic and polar, with tryptophan, which is neutral and slightly polar, at codon 212 of the POT1 protein (p.Arg212Trp).

NM_015450.3(POT1):c.634C>T (p.Arg212Trp)

Gene: POT1 (protection of telomeres 1; minus strand). Cytogenetic location: 7q31.33.
Variant type: single nucleotide variant.
Coding change: c.634C>T on transcript NM_015450.3 (MANE Select); coding-DNA position 634, C replaced by T.
Protein change: p.Arg212Trp; replaces arginine 212 with tryptophan.
Molecular consequence: missense variant. On other transcripts: non-coding transcript variant (3).
Genome position (GRCh38, 1-based): chr7:124,859,025, G>A on the plus strand (C>T on the coding strand, the complement: POT1 is on the minus strand). VCF-style: chr7-124859025-G-A. GRCh37 (hg19) VCF-style: chr7-124499079-G-A.
Other names: c.241C>T, p.Arg81Trp (NM_001042594.2); short protein forms R212W, R81W.
Identifiers: ClinVar variation 1025939 (VCV001025939.13), dbSNP rs1444551164, ClinGen allele CA369056330.